The following is an entry in ClinVar:

NM_005257.6(GATA6):c.1520A>G (p.Asn507Ser)

Gene: GATA6 (GATA binding protein 6; plus strand). Cytogenetic location: 18q11.2.
Variant type: single nucleotide variant.
Coding change: c.1520A>G on transcript NM_005257.6 (MANE Select); coding-DNA position 1520, A replaced by G.
Protein change: p.Asn507Ser; replaces asparagine 507 with serine.
Molecular consequence: missense variant.
Genome position (GRCh38, 1-based): chr18:22,182,943, A>G. VCF-style: chr18-22182943-A-G. GRCh37 (hg19) VCF-style: chr18-19762904-A-G.
Other names: short protein forms N507S.
Identifiers: ClinVar variation 4741903 (VCV004741903.1).

ClinVar aggregate classification (germline): Uncertain significance (1 of 4 stars; one submission).

Conditions:
Atrioventricular septal defect 5 (AVSD5). Identifiers: MedGen C3280939, MONDO:0013769, OMIM 614474.

gnomAD v4.1: 1 of 1,613,218 alleles (0.000062%); highest among the groups gnomAD compares: South Asian, 0.0011%; no homozygotes.

Submission:

Labcorp Genetics (formerly Invitae), Labcorp
Classification: Uncertain significance for Atrioventricular septal defect 5. Last evaluated: 2025-07-09. Review status: criteria provided, single submitter. Criteria: Invitae Variant Classification Sherloc (09022015). Collection method: clinical testing. Allele origin: germline.
Comment: This sequence change replaces asparagine, which is neutral and polar, with serine, which is neutral and polar, at codon 507 of the GATA6 protein (p.Asn507Ser). This variant is present in population databases (rs746983527, gnomAD 0.003%). This variant has not been reported in the literature in individuals affected with GATA6-related conditions. Invitae Evidence Modeling of protein sequence and biophysical properties (such as structural, functional, and spatial information, amino acid conservation, physicochemical variation, residue mobility, and thermodynamic stability) indicates that this missense variant is not expected to disrupt GATA6 protein function with a negative predictive value of 80%. In summary, the available evidence is currently insufficient to determine the role of this variant in disease. Therefore, it has been classified as a Variant of Uncertain Significance.